The following is an entry in ClinVar:

ClinVar aggregate classification (germline): Uncertain significance (1 of 4 stars; one submission).

Allele frequency attached by ClinVar (database versions not stated): ExAC 0.00001; gnomAD exomes 0.00001.

Submission:

Labcorp Genetics (formerly Invitae), Labcorp
Classification: Uncertain significance. Last evaluated: 2024-01-17. Review status: criteria provided, single submitter. Criteria: Invitae Variant Classification Sherloc (09022015). Collection method: clinical testing. Allele origin: germline.
Comment: This sequence change replaces methionine, which is neutral and non-polar, with valine, which is neutral and non-polar, at codon 1195 of the FREM2 protein (p.Met1195Val). This variant is present in population databases (rs780001287, gnomAD 0.002%). This variant has not been reported in the literature in individuals affected with FREM2-related conditions. ClinVar contains an entry for this variant (Variation ID: 2066737). Advanced modeling of protein sequence and biophysical properties (such as structural, functional, and spatial information, amino acid conservation, physicochemical variation, residue mobility, and thermodynamic stability) performed at Invitae indicates that this missense variant is not expected to disrupt FREM2 protein function with a negative predictive value of 80%. In summary, the available evidence is currently insufficient to determine the role of this variant in disease. Therefore, it has been classified as a Variant of Uncertain Significance.

NM_207361.6(FREM2):c.3583A>G (p.Met1195Val)

Gene: FREM2 (FRAS1 related extracellular matrix 2; plus strand). Cytogenetic location: 13q13.3.
Variant type: single nucleotide variant.
Coding change: c.3583A>G on transcript NM_207361.6 (MANE Select); coding-DNA position 3583, A replaced by G.
Protein change: p.Met1195Val; replaces methionine 1195 with valine.
Molecular consequence: missense variant.
Genome position (GRCh38, 1-based): chr13:38,690,927, A>G. VCF-style: chr13-38690927-A-G. GRCh37 (hg19) VCF-style: chr13-39265064-A-G.
Other names: short protein forms M1195V.
Identifiers: ClinVar variation 2066737 (VCV002066737.4), dbSNP rs780001287, ClinGen allele CA6954814.